The following is an entry in ClinVar:

ClinVar aggregate classification (germline): Uncertain significance. Review status: criteria provided, multiple submitters, no conflicts (2 of 4 stars). 2 submissions from 2 submitters: Uncertain significance (2). Last evaluated 2026-06-15.

Conditions:
CEP164-related disorder. Also called: CEP164-related condition.
Nephronophthisis 15 (NPHP15). Identifiers: Orphanet 3156, MedGen C3541853, MONDO:0013917, OMIM 614845.

Submissions (2):

PreventionGenetics, part of Exact Sciences
Classification: Uncertain significance for CEP164-related condition. Last evaluated: 2026-06-15. Review status: criteria provided, single submitter. Criteria: ACMG Guidelines, 2015. Collection method: clinical testing. Allele origin: germline.
Comment: The CEP164 c.663_665delGGA variant is predicted to result in an in-frame deletion (p.Glu221del). To our knowledge, this variant has not been reported in the literature or in a large population database (gnomAD), indicating this variant is rare. At this time, the clinical significance of this variant is uncertain due to the absence of conclusive functional and genetic evidence.

Labcorp Genetics (formerly Invitae), Labcorp
Classification: Uncertain significance for Nephronophthisis 15. Last evaluated: 2022-10-25. Review status: criteria provided, single submitter. Criteria: Invitae Variant Classification Sherloc (09022015). Collection method: clinical testing. Allele origin: germline.
Comment: Experimental studies and prediction algorithms are not available or were not evaluated, and the functional significance of this variant is currently unknown. In summary, the available evidence is currently insufficient to determine the role of this variant in disease. Therefore, it has been classified as a Variant of Uncertain Significance. This variant has not been reported in the literature in individuals affected with CEP164-related conditions. This variant is not present in population databases (gnomAD no frequency). This variant, c.663_665del, results in the deletion of 1 amino acid(s) of the CEP164 protein (p.Glu221del), but otherwise preserves the integrity of the reading frame.

NM_014956.5(CEP164):c.660GGA[1] (p.Glu221del)

Gene: CEP164 (centrosomal protein 164; plus strand). Cytogenetic location: 11q23.3.
Variant type: Microsatellite.
Coding change: c.660GGA[1] on transcript NM_014956.5 (MANE Select); one copy of the 3-base unit GGA starting at c.660; the reference has two copies in a row; one copy, 3 bases deleted.
Protein change: p.Glu221del; deletes glutamic acid 221.
Molecular consequence: inframe deletion.
Genome position (GRCh38, 1-based): chr11:117,362,514-117,362,516, GGA deleted; deleting any 3 consecutive bases within chr11:117,362,509-117,362,516 gives the same sequence; the position shown is the placement nearest the transcript's 3' end. VCF-style (leftmost placement, unchanged base first): chr11-117362508-TGAG-T. GRCh37 (hg19) VCF-style: chr11-117233224-TGAG-T.
Other names: c.663_665delGGA (NM_014956.4); c.660GGA[1], p.Glu221del (NM_001271933.2); short protein forms E221del.
Identifiers: ClinVar variation 1484394 (VCV001484394.7), dbSNP rs2135704436, ClinGen allele CA2580615072.